The following is an entry in ClinVar:

NM_006231.4(POLE):c.1007A>C (p.Asn336Thr)

Gene: POLE (DNA polymerase epsilon, catalytic subunit; minus strand). Cytogenetic location: 12q24.33.
Variant type: single nucleotide variant.
Coding change: c.1007A>C on transcript NM_006231.4 (MANE Select); coding-DNA position 1007, A replaced by C.
Protein change: p.Asn336Thr; replaces asparagine 336 with threonine.
Molecular consequence: missense variant.
Genome position (GRCh38, 1-based): chr12:132,676,107, T>G on the plus strand (A>C on the coding strand, the complement: POLE is on the minus strand). VCF-style: chr12-132676107-T-G. GRCh37 (hg19) VCF-style: chr12-133252693-T-G.
Other names: short protein forms N336T.
Identifiers: ClinVar variation 4744421 (VCV004744421.1).

ClinVar aggregate classification (germline): Uncertain significance (1 of 4 stars; one submission).

Submission:

Labcorp Genetics (formerly Invitae), Labcorp
Classification: Uncertain significance. Last evaluated: 2026-01-31. Review status: criteria provided, single submitter. Criteria: Invitae Variant Classification Sherloc (09022015). Collection method: clinical testing. Allele origin: germline.
Comment: This sequence change replaces asparagine, which is neutral and polar, with threonine, which is neutral and polar, at codon 336 of the POLE protein (p.Asn336Thr). This variant is not present in population databases (gnomAD no frequency). This variant has not been reported in the literature in individuals affected with POLE-related conditions. Invitae Evidence Modeling of protein sequence and biophysical properties (such as structural, functional, and spatial information, amino acid conservation, physicochemical variation, residue mobility, and thermodynamic stability) indicates that this missense variant is expected to disrupt POLE protein function with a positive predictive value of 80%. In summary, the available evidence is currently insufficient to determine the role of this variant in disease. Therefore, it has been classified as a Variant of Uncertain Significance.